The following is an entry in ClinVar:

NM_015450.3(POT1):c.913G>C (p.Val305Leu)

Gene: POT1 (protection of telomeres 1; minus strand). Cytogenetic location: 7q31.33.
Variant type: single nucleotide variant.
Coding change: c.913G>C on transcript NM_015450.3 (MANE Select); coding-DNA position 913, G replaced by C.
Protein change: p.Val305Leu; replaces valine 305 with leucine.
Molecular consequence: missense variant. On other transcripts: non-coding transcript variant (3).
Genome position (GRCh38, 1-based): chr7:124,851,908, C>G on the plus strand (G>C on the coding strand, the complement: POT1 is on the minus strand). VCF-style: chr7-124851908-C-G. GRCh37 (hg19) VCF-style: chr7-124491962-C-G.
Other names: c.520G>C, p.Val174Leu (NM_001042594.2); short protein forms V174L, V305L.
Identifiers: ClinVar variation 3702485 (VCV003702485.2).
Genomic context (GRCh38, chr7:124,851,908, plus strand): 5'-GTCAATGTTAAAGATTATCCTTACTTGGAAAGCTGTCGTCAGGTTCTGATTGACAGATAA[C>G]ATCTGAATGCTGATTGGCTGTCAAATTTGCAGATTCTAAATCCCTATAATTGAAAGAATA-3'
Protein context (NP_056265.2, residues 295-315): ANLTANQHSD[Val305Leu]ICQSEPDDSF

ClinVar aggregate classification (germline): Uncertain significance (1 of 4 stars; one submission).

Conditions:
Tumor predisposition syndrome 3 (TPDS3). Also called: Glioma susceptibility 9; LONG TELOMERE SYNDROME, POT1-RELATED; POT1 Tumor Predisposition; Melanoma, cutaneous malignant, susceptibility to, 10. Identifiers: Orphanet 618, MedGen C4014476, MONDO:0014368, OMIM 615848.

Submission:

Labcorp Genetics (formerly Invitae), Labcorp
Classification: Uncertain significance for Tumor predisposition syndrome 3. Last evaluated: 2025-01-21. Review status: criteria provided, single submitter. Criteria: Invitae Variant Classification Sherloc (09022015). Collection method: clinical testing. Allele origin: germline.
Comment: This sequence change replaces valine, which is neutral and non-polar, with leucine, which is neutral and non-polar, at codon 305 of the POT1 protein (p.Val305Leu). This variant is not present in population databases (gnomAD no frequency). This variant has not been reported in the literature in individuals affected with POT1-related conditions. Invitae Evidence Modeling of protein sequence and biophysical properties (such as structural, functional, and spatial information, amino acid conservation, physicochemical variation, residue mobility, and thermodynamic stability) indicates that this missense variant is not expected to disrupt POT1 protein function with a negative predictive value of 80%. In summary, the available evidence is currently insufficient to determine the role of this variant in disease. Therefore, it has been classified as a Variant of Uncertain Significance.